The following is an entry in ClinVar:

ClinVar aggregate classification (germline): Conflicting classifications of pathogenicity. Review status: criteria provided, conflicting classifications (1 of 4 stars). 2 submissions from 2 submitters: Uncertain significance (1); Likely benign (1). Last evaluated 2025-12-27.

Conditions:
Hereditary sensory and autonomic neuropathy type 7. Also called: Neuropathy, hereditary sensory and autonomic, type VII; HSAN VII. Identifiers: Orphanet 391397, MedGen C3809882, MONDO:0014244, OMIM 615548.
Familial episodic pain syndrome with predominantly lower limb involvement. Also called: Episodic pain syndrome, familial, 3. Identifiers: Orphanet 391384, Orphanet 391392, MedGen C3809899, MONDO:0014247, OMIM 615552.

Allele frequency attached by ClinVar (database versions not stated): ESP Exome Variant Server 0.00008; gnomAD 0.00010; TOPMed 0.00013; 1000 Genomes Project 30x 0.00031.
gnomAD v4.1: 178 of 1,613,224 alleles (0.011%); highest among the groups gnomAD compares: Admixed American, 0.028%; no homozygotes.

Submissions (2):

Labcorp Genetics (formerly Invitae), Labcorp
Classification: Uncertain significance for Familial episodic pain syndrome with predominantly lower limb involvement; Hereditary sensory and autonomic neuropathy type 7. Last evaluated: 2025-12-27. Review status: criteria provided, single submitter. Criteria: Invitae Variant Classification Sherloc (09022015). Collection method: clinical testing. Allele origin: germline.
Comment: This sequence change replaces valine, which is neutral and non-polar, with methionine, which is neutral and non-polar, at codon 1437 of the SCN11A protein (p.Val1437Met). This variant is present in population databases (rs149699837, gnomAD 0.02%). This missense change has been observed in individual(s) with clinical features of SCN11A-related conditions (PMID: 30554136). ClinVar contains an entry for this variant (Variation ID: 809468). Invitae Evidence Modeling of protein sequence and biophysical properties (such as structural, functional, and spatial information, amino acid conservation, physicochemical variation, residue mobility, and thermodynamic stability) indicates that this missense variant is expected to disrupt SCN11A protein function with a positive predictive value of 80%. In summary, the available evidence is currently insufficient to determine the role of this variant in disease. Therefore, it has been classified as a Variant of Uncertain Significance.

CeGaT Center for Human Genetics Tuebingen
Classification: Likely benign. Last evaluated: 2024-10-01. Review status: criteria provided, single submitter. Criteria: CeGaT Center For Human Genetics Tuebingen Variant Classification Criteria Version 2. Collection method: clinical testing. Allele origin: germline. Affected: yes. Observed: 2 variant alleles.
Comment: SCN11A: BS1

Literature cited by the submitters: PubMed 30554136 (cited by Labcorp Genetics (formerly Invitae), Labcorp).

NM_001349253.2(SCN11A):c.4309G>A (p.Val1437Met)

Gene: SCN11A (sodium voltage-gated channel alpha subunit 11; minus strand). Cytogenetic location: 3p22.2.
Variant type: single nucleotide variant.
Coding change: c.4309G>A on transcript NM_001349253.2 (MANE Select); coding-DNA position 4309, G replaced by A.
Protein change: p.Val1437Met; replaces valine 1437 with methionine.
Molecular consequence: missense variant.
Genome position (GRCh38, 1-based): chr3:38,850,499, C>T on the plus strand (G>A on the coding strand, the complement: SCN11A is on the minus strand). VCF-style: chr3-38850499-C-T. GRCh37 (hg19) VCF-style: chr3-38891990-C-T.
Other names: c.4309G>A, p.Val1437Met (NM_014139.3); short protein forms V1437M.
Identifiers: ClinVar variation 809468 (VCV000809468.49), dbSNP rs149699837, ClinGen allele CA2321557.